The following is an entry in ClinVar:

NM_000545.8(HNF1A):c.676A>T (p.Lys226Ter)

Gene: HNF1A (HNF1 homeobox A; plus strand). Cytogenetic location: 12q24.31.
Variant type: single nucleotide variant.
Coding change: c.676A>T on transcript NM_000545.8 (MANE Select); coding-DNA position 676, A replaced by T.
Protein change: p.Lys226Ter; replaces lysine 226 with a stop codon.
Molecular consequence: nonsense.
Genome position (GRCh38, 1-based): chr12:120,993,669, A>T. VCF-style: chr12-120993669-A-T. GRCh37 (hg19) VCF-style: chr12-121431472-A-T.
Other names: c.676A>T, p.Lys226Ter (NM_001306179.2, NM_001406915.1); short protein forms K226*.
Identifiers: ClinVar variation 3727086 (VCV003727086.2).

ClinVar aggregate classification (germline): Pathogenic (1 of 4 stars; one submission).

Submission:

Labcorp Genetics (formerly Invitae), Labcorp
Classification: Pathogenic. Last evaluated: 2025-02-19. Review status: criteria provided, single submitter. Criteria: Invitae Variant Classification Sherloc (09022015). Collection method: clinical testing. Allele origin: germline.
Comment: This sequence change creates a premature translational stop signal (p.Lys226*) in the HNF1A gene. It is expected to result in an absent or disrupted protein product. Loss-of-function variants in HNF1A are known to be pathogenic (PMID: 15928245, 18003757). This variant is not present in population databases (gnomAD no frequency). This variant has not been reported in the literature in individuals affected with HNF1A-related conditions. For these reasons, this variant has been classified as Pathogenic.

Literature cited by the submitters: PubMed 15928245; PubMed 18003757.